The following is an entry in ClinVar:

ClinVar aggregate classification (germline): Uncertain significance. Review status: criteria provided, multiple submitters, no conflicts (2 of 4 stars). 2 submissions from 2 submitters: Uncertain significance (2). Last evaluated 2025-11-03.

Conditions:
Inborn genetic diseases. Identifiers: MedGen C0950123, MeSH D030342.

Allele frequency attached by ClinVar (database versions not stated): gnomAD 0.00001; TOPMed 0.00001; ESP Exome Variant Server 0.00008; gnomAD exomes below 0.00001.
gnomAD v4.1: 6 of 1,607,602 alleles (0.00037%); highest among the groups gnomAD compares: African/African-American, 0.0027%; no homozygotes.

Submissions (2):

Ambry Genetics
Classification: Uncertain significance for Inborn genetic diseases. Last evaluated: 2025-11-03. Review status: criteria provided, single submitter. Criteria: Ambry Variant Classification Scheme 2023. Collection method: clinical testing. Allele origin: germline.

Institute for Clinical Genetics, University Hospital TU Dresden, University Hospital TU Dresden
Classification: Uncertain significance. Last evaluated: 2023-02-10. Review status: criteria provided, single submitter. Criteria: ACMG Guidelines, 2015. Collection method: clinical testing. Allele origin: paternal.
Comment: PM2_SUP, PP2

NM_032217.5(ANKRD17):c.5069G>A (p.Cys1690Tyr)

Gene: ANKRD17 (ankyrin repeat domain 17; minus strand). Cytogenetic location: 4q13.3.
Variant type: single nucleotide variant.
Coding change: c.5069G>A on transcript NM_032217.5 (MANE Select); coding-DNA position 5069, G replaced by A.
Protein change: p.Cys1690Tyr; replaces cysteine 1690 with tyrosine.
Molecular consequence: missense variant.
Genome position (GRCh38, 1-based): chr4:73,097,225, C>T on the plus strand (G>A on the coding strand, the complement: ANKRD17 is on the minus strand). VCF-style: chr4-73097225-C-T. GRCh37 (hg19) VCF-style: chr4-73962942-C-T.
Other names: c.5069G>A (NM_032217.3); c.4730G>A, p.Cys1577Tyr (NM_001286771.3); c.5066G>A, p.Cys1689Tyr (NM_015574.2); c.4316G>A, p.Cys1439Tyr (NM_198889.3); short protein forms C1439Y, C1577Y, C1689Y, C1690Y.
Identifiers: ClinVar variation 2576081 (VCV002576081.2), dbSNP rs149875573, ClinGen allele CA99662990.